The following is an entry in ClinVar:

ClinVar aggregate classification (germline): Uncertain significance (1 of 4 stars; one submission).

gnomAD v4.1: 4 of 1,613,788 alleles (0.00025%); highest among the groups gnomAD compares: African/African-American, 0.0013%; no homozygotes.

Submission:

Labcorp Genetics (formerly Invitae), Labcorp
Classification: Uncertain significance. Last evaluated: 2022-06-28. Review status: criteria provided, single submitter. Criteria: Invitae Variant Classification Sherloc (09022015). Collection method: clinical testing. Allele origin: germline.
Comment: In summary, the available evidence is currently insufficient to determine the role of this variant in disease. Therefore, it has been classified as a Variant of Uncertain Significance. Algorithms developed to predict the effect of missense changes on protein structure and function are either unavailable or do not agree on the potential impact of this missense change (SIFT: "Deleterious"; PolyPhen-2: "Probably Damaging"; Align-GVGD: "Class C0"). This variant has not been reported in the literature in individuals affected with NARS-related conditions. This variant is present in population databases (no rsID available, gnomAD 0.0009%). This sequence change replaces aspartic acid, which is acidic and polar, with asparagine, which is neutral and polar, at codon 15 of the NARS protein (p.Asp15Asn).

NM_004539.4(NARS1):c.43G>A (p.Asp15Asn)

Gene: NARS1 (asparaginyl-tRNA synthetase 1; minus strand). Cytogenetic location: 18q21.31.
Variant type: single nucleotide variant.
Coding change: c.43G>A on transcript NM_004539.4 (MANE Select); coding-DNA position 43, G replaced by A.
Protein change: p.Asp15Asn; replaces aspartic acid 15 with asparagine.
Molecular consequence: missense variant.
Genome position (GRCh38, 1-based): chr18:57,620,619, C>T on the plus strand (G>A on the coding strand, the complement: NARS1 is on the minus strand). VCF-style: chr18-57620619-C-T. GRCh37 (hg19) VCF-style: chr18-55287851-C-T.
Other names: short protein forms D15N.
Identifiers: ClinVar variation 2164577 (VCV002164577.4), dbSNP rs1195878356, ClinGen allele CA402554935.